The following is an entry in ClinVar:

ClinVar aggregate classification (germline): Uncertain significance. Review status: criteria provided, multiple submitters, no conflicts (2 of 4 stars). 2 submissions from 2 submitters: Uncertain significance (2). Last evaluated 2022-12-01.

Conditions:
Hyper-IgE recurrent infection syndrome 3, autosomal recessive. Also called: HYPER-IgE SYNDROME 3, AUTOSOMAL RECESSIVE, WITH RECURRENT INFECTIONS; Autosomal recessive hyper-IgE syndrome due to ZNF341 deficiency. Identifiers: Orphanet 641368, MedGen C4748969, MONDO:0032654, OMIM 618282.

Allele frequency attached by ClinVar (database versions not stated): TOPMed 0.00002.
gnomAD v4.1: 19 of 1,613,938 alleles (0.0012%); highest among the groups gnomAD compares: African/African-American, 0.0013%; no homozygotes.

Submissions (2):

CeGaT Center for Human Genetics Tuebingen
Classification: Uncertain significance. Last evaluated: 2022-12-01. Review status: criteria provided, single submitter. Criteria: CeGaT Center For Human Genetics Tuebingen Variant Classification Criteria Version 2. Collection method: clinical testing. Allele origin: germline. Affected: yes. Observed: 1 variant allele.

Labcorp Genetics (formerly Invitae), Labcorp
Classification: Uncertain significance for Combined immunodeficiency due to DOCK8 deficiency. Last evaluated: 2022-08-19. Review status: criteria provided, single submitter. Criteria: Invitae Variant Classification Sherloc (09022015). Collection method: clinical testing. Allele origin: germline.
Comment: This variant is present in population databases (rs751201571, gnomAD 0.007%). In summary, the available evidence is currently insufficient to determine the role of this variant in disease. Therefore, it has been classified as a Variant of Uncertain Significance. Algorithms developed to predict the effect of missense changes on protein structure and function (SIFT, PolyPhen-2, Align-GVGD) all suggest that this variant is likely to be tolerated. ClinVar contains an entry for this variant (Variation ID: 1023654). This variant has not been reported in the literature in individuals affected with DOCK8-related conditions. This sequence change replaces valine, which is neutral and non-polar, with leucine, which is neutral and non-polar, at codon 998 of the DOCK8 protein (p.Val998Leu).

NM_203447.4(DOCK8):c.2992G>T (p.Val998Leu)

Gene: DOCK8 (dedicator of cytokinesis 8; plus strand). Cytogenetic location: 9p24.3.
Variant type: single nucleotide variant.
Coding change: c.2992G>T on transcript NM_203447.4 (MANE Select); coding-DNA position 2992, G replaced by T.
Protein change: p.Val998Leu; replaces valine 998 with leucine.
Molecular consequence: missense variant.
Genome position (GRCh38, 1-based): chr9:396,806, G>T. VCF-style: chr9-396806-G-T. GRCh37 (hg19) VCF-style: chr9-396806-G-T.
Other names: c.2692G>T, p.Val898Leu (NM_001190458.2); c.2788G>T, p.Val930Leu (NM_001193536.2); short protein forms V898L, V930L, V998L.
Identifiers: ClinVar variation 1023654 (VCV001023654.35), dbSNP rs751201571, ClinGen allele CA4958462.